The following is an entry in ClinVar:

ClinVar aggregate classification (germline): Uncertain significance (1 of 4 stars; one submission).

Conditions:
Inborn genetic diseases. Identifiers: MedGen C0950123, MeSH D030342.

Submission:

Ambry Genetics
Classification: Uncertain significance for Inborn genetic diseases. Last evaluated: 2025-08-07. Review status: criteria provided, single submitter. Criteria: Ambry Variant Classification Scheme 2023. Collection method: clinical testing. Allele origin: germline.
Comment: The p.S466F variant (also known as c.1397C>T), located in coding exon 6 of the SH2B3 gene, results from a C to T substitution at nucleotide position 1397. The serine at codon 466 is replaced by phenylalanine, an amino acid with highly dissimilar properties. This amino acid position is conserved. In addition, this alteration is predicted to be tolerated by in silico analysis. Based on the available evidence, the clinical significance of this variant remains unclear.

NM_005475.3(SH2B3):c.1397C>T (p.Ser466Phe)

Gene: SH2B3 (SH2B adaptor protein 3; plus strand). Cytogenetic location: 12q24.12.
Variant type: single nucleotide variant.
Coding change: c.1397C>T on transcript NM_005475.3 (MANE Select); coding-DNA position 1397, C replaced by T.
Protein change: p.Ser466Phe; replaces serine 466 with phenylalanine.
Molecular consequence: missense variant.
Genome position (GRCh38, 1-based): chr12:111,447,816, C>T. VCF-style: chr12-111447816-C-T. GRCh37 (hg19) VCF-style: chr12-111885620-C-T.
Other names: c.791C>T, p.Ser264Phe (NM_001291424.1); short protein forms S264F, S466F.
Identifiers: ClinVar variation 4163978 (VCV004163978.1).